The following is an entry in ClinVar:

ClinVar aggregate classification (germline): Conflicting classifications of pathogenicity. Review status: criteria provided, conflicting classifications (1 of 4 stars). 2 submissions from 2 submitters: Pathogenic (1); Uncertain significance (1). Last evaluated 2023-05-29.

Conditions:
Sulfite oxidase deficiency due to molybdenum cofactor deficiency type C. Also called: Molybdenum cofactor deficiency, complementation group C; Molybdenum cofactor deficiency C. Identifiers: Orphanet 308400, Orphanet 833, MedGen C1854990, MONDO:0014212, OMIM 615501.

Submissions (2):

Blueprint Genetics
Classification: Uncertain significance. Last evaluated: 2023-05-29. Review status: criteria provided, single submitter. Criteria: ACMG Guidelines, 2015. Collection method: clinical testing. Allele origin: germline.

Labcorp Genetics (formerly Invitae), Labcorp
Classification: Pathogenic for Sulfite oxidase deficiency due to molybdenum cofactor deficiency type C. Last evaluated: 2021-12-19. Review status: criteria provided, single submitter. Criteria: Invitae Variant Classification Sherloc (09022015). Collection method: clinical testing. Allele origin: germline.
Comment: This sequence change creates a premature translational stop signal (p.Ala403Hisfs*3) in the GPHN gene. It is expected to result in an absent or disrupted protein product. Loss-of-function variants in GPHN are known to be pathogenic (PMID: 11095995, 23184456, 23393157). This variant is not present in population databases (gnomAD no frequency). This variant has not been reported in the literature in individuals affected with GPHN-related conditions. For these reasons, this variant has been classified as Pathogenic.

Literature cited by the submitters: PubMed 11095995 (cited by Labcorp Genetics (formerly Invitae), Labcorp); PubMed 23184456 (cited by Labcorp Genetics (formerly Invitae), Labcorp); PubMed 23393157 (cited by Labcorp Genetics (formerly Invitae), Labcorp).

NM_020806.5(GPHN):c.1206del (p.Ala403fs)

Gene: GPHN (gephyrin; plus strand). Cytogenetic location: 14q23.3.
Variant type: Deletion.
Coding change: c.1206del on transcript NM_020806.5 (MANE Select); coding-DNA position 1206, one base deleted (A; older notation c.1206delA).
Protein change: p.Ala403fs; shifts the reading frame from alanine 403.
Molecular consequence: frameshift variant.
Genome position (GRCh38, 1-based): chr14:67,089,044, A deleted. VCF-style (leftmost placement, unchanged base first): chr14-67089043-CA-C. GRCh37 (hg19) VCF-style: chr14-67555760-CA-C.
Other names: c.1107del, p.Ala370fs (NM_001024218.2); c.1266del, p.Ala423fs (NM_001377514.1); c.1236del, p.Ala413fs (NM_001377515.1); c.1227del, p.Ala410fs (NM_001377516.1); c.1179del, p.Ala394fs (NM_001377517.1); c.1164del, p.Ala389fs (NM_001377518.1); c.1146del, p.Ala383fs (NM_001377519.1); short protein forms A370fs, A423fs, A383fs, A389fs, A413fs, A410fs, A394fs, A403fs.
Identifiers: ClinVar variation 2049457 (VCV002049457.5), dbSNP rs2543059711, ClinGen allele CA2580088563.